The following is an entry in ClinVar:

ClinVar aggregate classification (germline): Benign. Review status: criteria provided, multiple submitters, no conflicts (2 of 4 stars). 9 submissions from 8 submitters: Benign (9). Last evaluated 2026-02-03.

Conditions:
Charcot-Marie-Tooth disease. Also called: Charcot-Marie-Tooth Hereditary Neuropathy; Charcot-Marie-Tooth Neuropathy. Identifiers: Orphanet 166, MedGen C0007959, MONDO:0015626.
Charcot-Marie-Tooth disease type 2. Also called: Charcot-Marie-Tooth type 2. Identifiers: Orphanet 64746, MedGen C0270914, MONDO:0018993.
Hereditary motor and sensory neuropathy with optic atrophy. Also called: CHARCOT-MARIE-TOOTH DISEASE, TYPE 6; PERIPHERAL NEUROPATHY AND OPTIC ATROPHY. Identifiers: Orphanet 90120, MedGen C0393807, MONDO:0019551.

Allele frequency attached by ClinVar (database versions not stated): gnomAD 0.04459 and 0.04675; TOPMed 0.04692; ESP Exome Variant Server 0.04736; gnomAD exomes 0.05446 and 0.05599; ExAC 0.05534; 1000 Genomes Project 30x 0.06465; 1000 Genomes Project 0.06909.
gnomAD v4.1: 89,160 of 1,614,182 alleles (5.5%); highest among the groups gnomAD compares: East Asian, 11%; 2,840 homozygotes.

Submissions (9):

Labcorp Genetics (formerly Invitae), Labcorp
Classification: Benign for Charcot-Marie-Tooth disease type 2. Last evaluated: 2026-02-03. Review status: criteria provided, single submitter. Criteria: Invitae Variant Classification Sherloc (09022015). Collection method: clinical testing. Allele origin: germline.

Blueprint Genetics
Classification: Benign. Last evaluated: 2024-11-26. Review status: criteria provided, single submitter. Criteria: ACMG Guidelines, 2015. Collection method: clinical testing. Allele origin: germline.

Illumina Laboratory Services, Illumina
Classification: Benign for Neuropathy, hereditary motor and sensory, type 6A. Last evaluated: 2018-01-12. Review status: criteria provided, single submitter. Criteria: ICSL Variant Classification Criteria 13 December 2019. Collection method: clinical testing. Allele origin: germline.
Comment: This variant was observed in the ICSL laboratory as part of a predisposition screen in an ostensibly healthy population. It had not been previously curated by ICSL or reported in the Human Gene Mutation Database (HGMD: prior to June 1st, 2018), and was therefore a candidate for classification through an automated scoring system. Utilizing variant allele frequency, disease prevalence and penetrance estimates, and inheritance mode, an automated score was calculated to assess if this variant is too frequent to cause the disease. Based on the score and internal cut-off values, a variant classified as benign is not then subjected to further curation. The score for this variant resulted in a classification of benign for this disease.

Illumina Laboratory Services, Illumina
Classification: Benign for Charcot-Marie-Tooth disease, type 2. Last evaluated: 2018-01-12. Review status: criteria provided, single submitter. Criteria: ICSL Variant Classification Criteria 13 December 2019. Collection method: clinical testing. Allele origin: germline.
Comment: the same text as in the submission from Illumina Laboratory Services, Illumina above.

Mayo Clinic Laboratories, Mayo Clinic
Classification: Benign. Last evaluated: 2016-05-05. Review status: criteria provided, single submitter. Criteria: ACMG Guidelines, 2015. Collection method: clinical testing. Allele origin: germline. Observed: 214 variant alleles.

GeneDx
Classification: Benign. Last evaluated: 2013-10-24. Review status: criteria provided, single submitter. Criteria: GeneDx Variant Classification (06012015). Collection method: clinical testing. Allele origin: germline. Affected: yes.
Comment: This variant is considered likely benign or benign based on one or more of the following criteria: it is a conservative change, it occurs at a poorly conserved position in the protein, it is predicted to be benign by multiple in silico algorithms, and/or has population frequency not consistent with disease.

Breakthrough Genomics
Classification: Benign. Review status: criteria provided, single submitter. Criteria: ACMG Guidelines, 2015. Collection method: not provided. Allele origin: germline. Inheritance: Autosomal recessive inheritance. Affected: yes.

Molecular Genetics Laboratory, London Health Sciences Centre
Classification: Benign for Charcot-Marie-Tooth disease. Review status: criteria provided, single submitter. Criteria: ACMG Guidelines, 2015. Collection method: clinical testing. Allele origin: germline. Affected: yes.

PreventionGenetics, part of Exact Sciences
Classification: Benign. Review status: criteria provided, single submitter. Criteria: ACMG Guidelines, 2015. Collection method: clinical testing. Allele origin: germline.

NM_014874.4(MFN2):c.1569C>T (p.Ser523=)

Gene: MFN2 (mitofusin 2; plus strand). Cytogenetic location: 1p36.22.
Variant type: single nucleotide variant.
Coding change: c.1569C>T on transcript NM_014874.4 (MANE Select); coding-DNA position 1569, C replaced by T.
Protein change: p.Ser523=; no amino-acid change (serine 523 retained).
Molecular consequence: synonymous variant.
Genome position (GRCh38, 1-based): chr1:12,005,784, C>T. VCF-style: chr1-12005784-C-T. GRCh37 (hg19) VCF-style: chr1-12065841-C-T.
Other names: p.S523S:TCC>TCT; p.Ser523=; c.1569C>T, p.Ser523= (NM_001127660.2).
Identifiers: ClinVar variation 138215 (VCV000138215.20), dbSNP rs1042837, ClinGen allele CA292072.